The following is an entry in ClinVar:

ClinVar aggregate classification (germline): Likely pathogenic. Review status: criteria provided, single submitter (1 of 4 stars). 2 submissions from 2 submitters: Likely pathogenic (1). 1 of the submissions does not count toward it. Last evaluated 2025-08-18.

Conditions:
Kabuki syndrome 1 (KABUK1). Also called: KMT2D-Related Kabuki Syndrome. Identifiers: Orphanet 2322, MedGen CN030661, MONDO:0007843, OMIM 147920.
Kabuki syndrome. Also called: Kabuki make-up syndrome; NIIKAWA-KUROKI SYNDROME. Identifiers: Orphanet 2322, MedGen C0796004, MONDO:0016512.

Submissions (2):

Labcorp Genetics (formerly Invitae), Labcorp
Classification: Likely pathogenic for Kabuki syndrome. Last evaluated: 2025-08-18. Review status: criteria provided, single submitter. Criteria: Invitae Variant Classification Sherloc (09022015). Collection method: clinical testing. Allele origin: germline.
Comment: This sequence change affects a donor splice site in intron 12 of the KMT2D gene. It is expected to disrupt RNA splicing. Variants that disrupt the donor or acceptor splice site typically lead to a loss of protein function (PMID: 16199547), and loss-of-function variants in KMT2D are known to be pathogenic (PMID: 22126750). This variant is not present in population databases (gnomAD no frequency). This variant has not been reported in the literature in individuals affected with KMT2D-related conditions. Algorithms developed to predict the effect of sequence changes on RNA splicing suggest that this variant may disrupt the consensus splice site. In summary, the currently available evidence indicates that the variant is pathogenic, but additional data are needed to prove that conclusively. Therefore, this variant has been classified as Likely Pathogenic.

Diagnostics Centre, Carl Von Ossietzky University Oldenburg
Classification: Likely benign for Kabuki syndrome 1. Last evaluated: 2024-07-10. Review status: no assertion criteria provided. Collection method: clinical testing. Allele origin: germline. Affected: yes. Observed: 1 variant allele. Not counted in ClinVar's aggregate classification.
Comment: The variant KMT2D:c.4020+1G>A p.(?), which is located in the canonical donor splice site after exon 13 of the KMT2D gene, at nucleotide position c.4020+1G. In silico tools predict a severe deleterious effect on the splice product (Splice AI = 0.98). The variant could potentially cause exon skipping but does not shift the reading frame, neither gene product degradation by non-sense mediated decay. This variant is classified as rare in the overall population (MAF 6.3*e-7in gnomAD, v4.1.0) has not yet been described in ClinVar or any other scientific publication known to us. Further analysis showed lack of segregation in the family. In summary, the variant is classified as Likely benign.

Literature cited by the submitters: PubMed 16199547 (cited by Labcorp Genetics (formerly Invitae), Labcorp); PubMed 22126750 (cited by Labcorp Genetics (formerly Invitae), Labcorp).

NM_003482.4(KMT2D):c.4020+1G>A

Genes: KMT2D (lysine methyltransferase 2D; minus strand), LOC126861520 (CDK7 strongly-dependent group 2 enhancer GRCh37_chr12:49442744-49443943; plus strand). Cytogenetic location: 12q13.12.
Variant type: single nucleotide variant.
Coding change: c.4020+1G>A on transcript NM_003482.4 (MANE Select); the canonical splice donor site of the intron after coding-DNA position 4020, G replaced by A.
Molecular consequence: splice donor variant.
Genome position (GRCh38, 1-based): chr12:49,049,104, C>T on the plus strand (G>A on the coding strand, the complement: KMT2D is on the minus strand). VCF-style: chr12-49049104-C-T. GRCh37 (hg19) VCF-style: chr12-49442887-C-T.
Identifiers: ClinVar variation 4530655 (VCV004530655.2).